The following is an entry in ClinVar:

Conditions:
Long QT syndrome 5 (LQT5). Identifiers: Orphanet 101016, Orphanet 768, MedGen C1867904, MONDO:0013372, OMIM 613695.

Submission:

Roden Lab, Vanderbilt University Medical Center
No classification provided (evidence only). Condition: Long QT syndrome 5. Review status: no classification provided. Collection method: in vitro. Allele origin: not applicable. Functional consequence: Effect on ion channel function.
ClinVar note: "not provided" was previously submitted as the classification for the variant. However, the classification appeared to be based only on an observation of functional data so it was converted to no classification on 2025-07-30.

NM_000219.6(KCNE1):c.63T>C (p.Val21=)

Gene: KCNE1 (potassium voltage-gated channel subfamily E regulatory subunit 1; minus strand). Cytogenetic location: 21q22.12.
Variant type: single nucleotide variant.
Coding change: c.63T>C on transcript NM_000219.6 (MANE Select); coding-DNA position 63, T replaced by C.
Protein change: p.Val21=; no amino-acid change (valine 21 retained).
Molecular consequence: synonymous variant.
Genome position (GRCh38, 1-based): chr21:34,449,572, A>G on the plus strand (T>C on the coding strand, the complement: KCNE1 is on the minus strand). VCF-style: chr21-34449572-A-G. GRCh37 (hg19) VCF-style: chr21-35821870-A-G.
Other names: c.63T>C, p.Val21= (NM_001127668.4, NM_001127669.4, NM_001127670.4 and 4 more transcripts).
Identifiers: ClinVar variation 3373945 (VCV003373945.2).
Genomic context (GRCh38, chr21:34,449,572, plus strand): 5'-CTTGCCGTCACTGCTGCGGGGGGACCTGCGGGCCAGGCCCGACATGTTGCCACCCTGCTG[A>G]ACTGTCTCCTGCCACAGCTTGGTCAGAAAGGGCGTCACCGCTGTGGTGTTAGACAGGATC-3'
Protein context (NP_000210.2, residues 11-31): PFLTKLWQET[Val21=]QQGGNMSGLA